The following is an entry in ClinVar:

NM_001382391.1(CSPP1):c.1600G>T (p.Asp534Tyr)

Gene: CSPP1 (centrosome and spindle pole associated protein 1; plus strand). Cytogenetic location: 8q13.2.
Variant type: single nucleotide variant.
Coding change: c.1600G>T on transcript NM_001382391.1 (MANE Select); coding-DNA position 1600, G replaced by T.
Protein change: p.Asp534Tyr; replaces aspartic acid 534 with tyrosine.
Molecular consequence: missense variant.
Genome position (GRCh38, 1-based): chr8:67,118,351, G>T. VCF-style: chr8-67118351-G-T. GRCh37 (hg19) VCF-style: chr8-68030586-G-T.
Other names: c.703G>T, p.Asp235Tyr (NM_001291339.2); c.1519G>T, p.Asp507Tyr (NM_001363131.2); c.1558G>T, p.Asp520Tyr (NM_001363132.2); c.1477G>T, p.Asp493Tyr (NM_001363133.2); c.1666G>T, p.Asp556Tyr (NM_001364869.1); c.1486G>T, p.Asp496Tyr (NM_001364870.1); c.1585G>T, p.Asp529Tyr (NM_024790.7); short protein forms D493Y, D507Y, D235Y, D534Y, D556Y, D496Y, D520Y, D529Y.
Identifiers: ClinVar variation 2196594 (VCV002196594.1), dbSNP rs773480768, ClinGen allele CA371200812.

ClinVar aggregate classification (germline): Uncertain significance (1 of 4 stars; one submission).

Conditions:
Joubert syndrome 21 (JBTS21). Identifiers: MedGen C3810212, MONDO:0014288, OMIM 615636.

Submission:

Labcorp Genetics (formerly Invitae), Labcorp
Classification: Uncertain significance for Joubert syndrome 21. Last evaluated: 2022-06-12. Review status: criteria provided, single submitter. Criteria: Invitae Variant Classification Sherloc (09022015). Collection method: clinical testing. Allele origin: germline.
Comment: This sequence change replaces aspartic acid, which is acidic and polar, with tyrosine, which is neutral and polar, at codon 529 of the CSPP1 protein (p.Asp529Tyr). This variant is not present in population databases (gnomAD no frequency). This variant has not been reported in the literature in individuals affected with CSPP1-related conditions. Algorithms developed to predict the effect of missense changes on protein structure and function are either unavailable or do not agree on the potential impact of this missense change (SIFT: "Deleterious"; PolyPhen-2: "Probably Damaging"; Align-GVGD: "Class C15"). In summary, the available evidence is currently insufficient to determine the role of this variant in disease. Therefore, it has been classified as a Variant of Uncertain Significance.